The following is an entry in ClinVar:

ClinVar aggregate classification (germline): Likely pathogenic (1 of 4 stars; one submission).

Conditions:
Epilepsy, childhood absence, susceptibility to, 5. Identifiers: Orphanet 64280, MedGen C2677087, MONDO:0012843, OMIM 612269.
Epilepsy, childhood absence, susceptibility to, 1. Also called: Epilepsy, childhood absence 1. Identifiers: Orphanet 64280, MedGen C1838604, MONDO:0020759, OMIM 600131.

Submission:

Labcorp Genetics (formerly Invitae), Labcorp
Classification: Likely pathogenic for Epilepsy, childhood absence, susceptibility to, 5; Epilepsy, childhood absence, susceptibility to, 1. Last evaluated: 2022-08-23. Review status: criteria provided, single submitter. Criteria: Invitae Variant Classification Sherloc (09022015). Collection method: clinical testing. Allele origin: germline.
Comment: This variant disrupts the p.Pro253 amino acid residue in GABRB3. Other variant(s) that disrupt this residue have been determined to be pathogenic (PMID: 28053010; Invitae). This suggests that this residue is clinically significant, and that variants that disrupt this residue are likely to be disease-causing. Advanced modeling of protein sequence and biophysical properties (such as structural, functional, and spatial information, amino acid conservation, physicochemical variation, residue mobility, and thermodynamic stability) performed at Invitae indicates that this missense variant is expected to disrupt GABRB3 protein function. ClinVar contains an entry for this variant (Variation ID: 582321). This missense change has been observed in individual(s) with epileptic encephalopathy (Invitae). This variant is not present in population databases (gnomAD no frequency). This sequence change replaces proline, which is neutral and non-polar, with histidine, which is basic and polar, at codon 253 of the GABRB3 protein (p.Pro253His). In summary, the currently available evidence indicates that the variant is pathogenic, but additional data are needed to prove that conclusively. Therefore, this variant has been classified as Likely Pathogenic.

Literature cited by the submitters: PubMed 28053010.

NM_000814.6(GABRB3):c.758C>A (p.Pro253His)

Gene: GABRB3 (gamma-aminobutyric acid type A receptor subunit beta3; minus strand). Cytogenetic location: 15q12.
Variant type: single nucleotide variant.
Coding change: c.758C>A on transcript NM_000814.6 (MANE Select); coding-DNA position 758, C replaced by A.
Protein change: p.Pro253His; replaces proline 253 with histidine.
Molecular consequence: missense variant.
Genome position (GRCh38, 1-based): chr15:26,567,658, G>T on the plus strand (C>A on the coding strand, the complement: GABRB3 is on the minus strand). VCF-style: chr15-26567658-G-T. GRCh37 (hg19) VCF-style: chr15-26812805-G-T.
Other names: c.503C>A, p.Pro168His (NM_001191320.2, NM_001278631.2); c.545C>A, p.Pro182His (NM_001191321.3); c.758C>A, p.Pro253His (NM_021912.5); short protein forms P253H, P182H, P168H.
Identifiers: ClinVar variation 582321 (VCV000582321.10), dbSNP rs1064796514, ClinGen allele CA391463228.